The following is an entry in ClinVar:

ClinVar aggregate classification (germline): Uncertain significance. Review status: criteria provided, multiple submitters, no conflicts (2 of 4 stars). 2 submissions from 2 submitters: Uncertain significance (2). Last evaluated 2024-08-30.

Conditions:
Hereditary nonpolyposis colorectal neoplasms. Identifiers: MedGen C0009405, MeSH D003123.
Lynch syndrome. Identifiers: Orphanet 144, MedGen C4552100, MONDO:0005835. Disease mechanism: loss of function.

gnomAD v4.1: 1 of 1,601,970 alleles (0.000062%); highest among the groups gnomAD compares: Non-Finnish European, 0.000085%; no homozygotes.

Submissions (2):

All of Us Research Program, National Institutes of Health
Classification: Uncertain significance for Lynch syndrome. Last evaluated: 2024-08-30. Review status: criteria provided, single submitter. Criteria: ACMG Guidelines, 2015. Collection method: clinical testing. Allele origin: germline. Inheritance: Autosomal dominant inheritance. Observed: 1 variant allele, 1 heterozygote.
Comment: This study involves interpretation of variants in research participants for the purpose of population health screening. Participant phenotype was not available at the time of variant classification. Additional details can be found in publication PMID: 35346344, PMCID: PMC8962531

Labcorp Genetics (formerly Invitae), Labcorp
Classification: Uncertain significance for Hereditary nonpolyposis colorectal neoplasms. Last evaluated: 2024-02-08. Review status: criteria provided, single submitter. Criteria: Invitae Variant Classification Sherloc (09022015). Collection method: clinical testing. Allele origin: germline.
Comment: This sequence change replaces glycine, which is neutral and non-polar, with alanine, which is neutral and non-polar, at codon 46 of the MSH6 protein (p.Gly46Ala). This variant is not present in population databases (gnomAD no frequency). This variant has not been reported in the literature in individuals affected with MSH6-related conditions. Advanced modeling of protein sequence and biophysical properties (such as structural, functional, and spatial information, amino acid conservation, physicochemical variation, residue mobility, and thermodynamic stability) performed at Invitae indicates that this missense variant is not expected to disrupt MSH6 protein function with a negative predictive value of 95%. In summary, the available evidence is currently insufficient to determine the role of this variant in disease. Therefore, it has been classified as a Variant of Uncertain Significance.

NM_000179.3(MSH6):c.137G>C (p.Gly46Ala)

Gene: MSH6 (mutS homolog 6; plus strand). Cytogenetic location: 2p16.3.
Variant type: single nucleotide variant.
Coding change: c.137G>C on transcript NM_000179.3 (MANE Select); coding-DNA position 137, G replaced by C.
Protein change: p.Gly46Ala; replaces glycine 46 with alanine.
Molecular consequence: missense variant. On other transcripts: 5 prime UTR variant (7), non-coding transcript variant (5), intron variant (5).
Genome position (GRCh38, 1-based): chr2:47,783,370, G>C. VCF-style: chr2-47783370-G-C. GRCh37 (hg19) VCF-style: chr2-48010509-G-C.
Other names: c.137G>C, p.Gly46Ala (NM_001281492.2, NM_001406795.1, NM_001406796.1 and 9 more transcripts); c.-600G>C (NM_001281493.2, NM_001406811.1); c.-192G>C (NM_001406799.1); c.82G>C, p.Gly28Arg (NM_001406804.1); c.-792G>C (NM_001406807.1); c.-447G>C (NM_001406812.1); c.-858G>C (NM_001406814.1); c.-403G>C (NM_001406816.1); and 3 more; short protein forms G28R, G46A.
Identifiers: ClinVar variation 3387052 (VCV003387052.3).
Genomic context (GRCh38, chr2:47,783,370, plus strand): 5'-GGGCCTCACGCGAAGGCGGCCGTGCCGCCGCTGCCCCCGGGGCCTCTCCTTCCCCAGGCG[G>C]GGATGCGGCCTGGAGCGAGGCTGGGCCTGGGCCCAGGCCCTTGGCGCGCTCCGCGTCACC-3'
Protein context (NP_000170.1, residues 36-56): AAPGASPSPG[Gly46Ala]DAAWSEAGPG